The following is an entry in ClinVar:

ClinVar aggregate classification (germline): Benign. Review status: criteria provided, multiple submitters, no conflicts (2 of 4 stars). 3 submissions from 3 submitters: Benign (2). 1 of the submissions does not count toward it. Last evaluated 2021-07-22.

Conditions:
Short stature and microcephaly with genital anomalies. Identifiers: MedGen C5231467, MONDO:0032875, OMIM 618702.
CENPT-related disorder. Also called: CENPT-related condition.

Allele frequency attached by ClinVar (database versions not stated): 1000 Genomes Project 0.01478; 1000 Genomes Project 30x 0.01562; TOPMed 0.02839; gnomAD 0.02879 and 0.02950; ESP Exome Variant Server 0.02897; gnomAD exomes 0.03019; ExAC 0.04578.
gnomAD v4.1: 57,824 of 1,568,330 alleles (3.7%); highest among the groups gnomAD compares: Middle Eastern, 10%; 1,273 homozygotes.

Submissions (3):

Genome-Nilou Lab
Classification: Benign for Short stature and microcephaly with genital anomalies. Last evaluated: 2021-07-22. Review status: criteria provided, single submitter. Criteria: ACMG Guidelines, 2015. Collection method: clinical testing. Allele origin: germline. Affected: no.

Breakthrough Genomics
Classification: Benign. Review status: criteria provided, single submitter. Criteria: ACMG Guidelines, 2015. Collection method: not provided. Allele origin: germline. Inheritance: Autosomal recessive inheritance. Affected: yes.

PreventionGenetics, part of Exact Sciences
Classification: Benign for CENPT-related condition. Last evaluated: 2019-03-01. Review status: no assertion criteria provided. Collection method: clinical testing. Allele origin: germline. Not counted in ClinVar's aggregate classification.
Comment: This variant is classified as benign based on ACMG/AMP sequence variant interpretation guidelines (Richards et al. 2015 PMID: 25741868, with internal and published modifications).

NM_025082.4(CENPT):c.24C>A (p.Ser8Arg)

Gene: CENPT (centromere protein T; minus strand). Cytogenetic location: 16q22.1.
Variant type: single nucleotide variant.
Coding change: c.24C>A on transcript NM_025082.4 (MANE Select); coding-DNA position 24, C replaced by A.
Protein change: p.Ser8Arg; replaces serine 8 with arginine.
Molecular consequence: missense variant.
Genome position (GRCh38, 1-based): chr16:67,833,836, G>T on the plus strand (C>A on the coding strand, the complement: CENPT is on the minus strand). VCF-style: chr16-67833836-G-T. GRCh37 (hg19) VCF-style: chr16-67867739-G-T.
Other names: c.24C>A (NM_025082.3); short protein forms S8R.
Identifiers: ClinVar variation 1209722 (VCV001209722.6), dbSNP rs11558534, ClinGen allele CA8118075.